The following is an entry in ClinVar:

ClinVar aggregate classification (germline): Pathogenic (1 of 4 stars; one submission).

Conditions:
Hereditary breast ovarian cancer syndrome. Also called: Hereditary breast and ovarian cancer syndrome; BRCA1- and BRCA2-Associated Hereditary Breast and Ovarian Cancer; Hereditary breast and ovarian cancer; Hereditary breast and/or ovarian cancer syndrome; Hereditary breast and ovarian cancer syndrome (HBOC); Breast and ovarian cancer. Identifiers: Orphanet 145, MedGen C0677776, MeSH D061325, MONDO:0003582. Disease mechanism: loss of function.

Submission:

Labcorp Genetics (formerly Invitae), Labcorp
Classification: Pathogenic for Hereditary breast ovarian cancer syndrome. Last evaluated: 2022-07-15. Review status: criteria provided, single submitter. Criteria: Invitae Variant Classification Sherloc (09022015). Collection method: clinical testing. Allele origin: germline.
Comment: This variant is not present in population databases (gnomAD no frequency). This sequence change creates a premature translational stop signal (p.Glu514Glyfs*11) in the BRCA2 gene. It is expected to result in an absent or disrupted protein product. Loss-of-function variants in BRCA2 are known to be pathogenic (PMID: 20104584). For these reasons, this variant has been classified as Pathogenic. This variant has not been reported in the literature in individuals affected with BRCA2-related conditions.

Literature cited by the submitters: PubMed 20104584.

NM_000059.4(BRCA2):c.1541del (p.Glu514fs)

Gene: BRCA2 (BRCA2 DNA repair associated; plus strand). Cytogenetic location: 13q13.1.
Variant type: Deletion.
Coding change: c.1541del on transcript NM_000059.4 (MANE Select); coding-DNA position 1541, one base deleted (A; older notation c.1541delA).
Protein change: p.Glu514fs; shifts the reading frame from glutamic acid 514.
Molecular consequence: frameshift variant.
Genome position (GRCh38, 1-based): chr13:32,333,019, A deleted. VCF-style (leftmost placement, unchanged base first): chr13-32333018-GA-G. GRCh37 (hg19) VCF-style: chr13-32907155-GA-G.
Other names: c.1541delA, p.Glu514Glyfs (NM_001406719.1, NM_001406720.1, NM_001406721.1); short protein forms E514fs.
Identifiers: ClinVar variation 2110248 (VCV002110248.4), dbSNP rs2548520477, ClinGen allele CA2580087020.